The following is an entry in ClinVar:

ClinVar aggregate classification (germline): Uncertain significance. Review status: criteria provided, multiple submitters, no conflicts (2 of 4 stars). 2 submissions from 2 submitters: Uncertain significance (2). Last evaluated 2024-04-15.

Conditions:
Bardet-Biedl syndrome 15 (BBS15). Identifiers: Orphanet 110, MedGen C3150127, MONDO:0014443, OMIM 615992.
Heart defect - tongue hamartoma - polysyndactyly syndrome. Also called: Congenital heart defects, hamartomas of tongue, and polysyndactyly. Identifiers: Orphanet 1338, MedGen C1857587, MONDO:0009008, OMIM 217085.
Bardet-Biedl syndrome (BBS). Identifiers: Orphanet 110, MedGen C0752166, MONDO:0015229.

Submissions (2):

Fulgent Genetics
Classification: Uncertain significance for Heart defect - tongue hamartoma - polysyndactyly syndrome; Bardet-Biedl syndrome 15. Last evaluated: 2024-04-15. Review status: criteria provided, single submitter. Criteria: ACMG Guidelines, 2015. Collection method: clinical testing. Allele origin: germline.

Labcorp Genetics (formerly Invitae), Labcorp
Classification: Uncertain significance for Bardet-Biedl syndrome. Last evaluated: 2024-02-05. Review status: criteria provided, single submitter. Criteria: Invitae Variant Classification Sherloc (09022015). Collection method: clinical testing. Allele origin: germline.
Comment: This sequence change falls in intron 1 of the WDPCP gene. It does not directly change the encoded amino acid sequence of the WDPCP protein. It affects a nucleotide within the consensus splice site. This variant is not present in population databases (gnomAD no frequency). This variant has not been reported in the literature in individuals affected with WDPCP-related conditions. ClinVar contains an entry for this variant (Variation ID: 1443526). Variants that disrupt the consensus splice site are a relatively common cause of aberrant splicing (PMID: 17576681, 9536098). Algorithms developed to predict the effect of sequence changes on RNA splicing suggest that this variant is not likely to affect RNA splicing. In summary, the available evidence is currently insufficient to determine the role of this variant in disease. Therefore, it has been classified as a Variant of Uncertain Significance.

Literature cited by the submitters: PubMed 17576681 (cited by Labcorp Genetics (formerly Invitae), Labcorp); PubMed 9536098 (cited by Labcorp Genetics (formerly Invitae), Labcorp).

NM_015910.7(WDPCP):c.76-3C>T

Gene: WDPCP (WD repeat containing planar cell polarity effector; minus strand). Cytogenetic location: 2p15.
Variant type: single nucleotide variant.
Coding change: c.76-3C>T on transcript NM_015910.7 (MANE Select); 3 bases into the intron before coding-DNA position 76, C replaced by T.
Molecular consequence: intron variant.
Genome position (GRCh38, 1-based): chr2:63,492,943, G>A on the plus strand (C>T on the coding strand, the complement: WDPCP is on the minus strand). VCF-style: chr2-63492943-G-A. GRCh37 (hg19) VCF-style: chr2-63720077-G-A.
Other names: c.4-3C>T (NM_001354044.2); c.76-3C>T (NM_001354045.2).
Identifiers: ClinVar variation 1443526 (VCV001443526.8), dbSNP rs1700986922, ClinGen allele CA1031510589.